The following is an entry in ClinVar:

ClinVar aggregate classification (germline): Likely pathogenic (1 of 4 stars; one submission).

Conditions:
Progressive muscular dystrophy. Identifiers: Orphanet 206644, MedGen C4551827, MONDO:0016106.

Submission:

Myriad Genetics, Inc.
Classification: Likely pathogenic for Progressive muscular dystrophy. Last evaluated: 2022-03-08. Review status: criteria provided, single submitter. Criteria: Myriad Autosomal Dominant, Autosomal Recessive and X-Linked Classification Criteria (2023). Collection method: clinical testing. Allele origin: unknown.
Comment: NM_004006.2(DMD):c.4943T>A(L1648*) is expected to be pathogenic in the context of dystrophinopathy (including Duchenne/Becker muscular dystrophy). This variant is predicted to lead to an abnormal or absent protein product due to the creation of a premature termination codon in DMD, a gene where loss-of-function variants are known to be pathogenic. Please note: this variant was assessed in the context of healthy population screening.

NM_004006.3(DMD):c.4943T>A (p.Leu1648Ter)

Gene: DMD (dystrophin; minus strand). Cytogenetic location: Xp21.1.
Variant type: single nucleotide variant.
Coding change: c.4943T>A on transcript NM_004006.3 (MANE Select); coding-DNA position 4943, T replaced by A.
Protein change: p.Leu1648Ter; replaces leucine 1648 with a stop codon.
Molecular consequence: nonsense.
Genome position (GRCh38, 1-based): chrX:32,365,102, A>T on the plus strand (T>A on the coding strand, the complement: DMD is on the minus strand). VCF-style: chrX-32365102-A-T. GRCh37 (hg19) VCF-style: chrX-32383219-A-T.
Other names: c.4919T>A, p.Leu1640Ter (NM_000109.4); c.4931T>A, p.Leu1644Ter (NM_004009.3); c.4574T>A, p.Leu1525Ter (NM_004010.3); c.920T>A, p.Leu307Ter (NM_004011.4); c.911T>A, p.Leu304Ter (NM_004012.4); short protein forms L1525*, L1640*, L1644*, L1648*, L304*, L307*.
Identifiers: ClinVar variation 1726596 (VCV001726596.3), dbSNP rs2522569580, ClinGen allele CA412672073.